The following is an entry in ClinVar:

NM_014946.4(SPAST):c.1245del (p.Lys414_Tyr415insTer)

Gene: SPAST (spastin; plus strand). Cytogenetic location: 2p22.3.
Variant type: Deletion.
Coding change: c.1245del on transcript NM_014946.4 (MANE Select); coding-DNA position 1245, one base deleted (C; older notation c.1245delC).
Protein change: p.Lys414_Tyr415insTer.
Molecular consequence: nonsense.
Genome position (GRCh38, 1-based): chr2:32,128,479, C deleted. VCF-style (leftmost placement, unchanged base first): chr2-32128478-AC-A. GRCh37 (hg19) VCF-style: chr2-32353547-AC-A.
Other names: c.1245delC (NM_014946.3); c.1242del, p.Lys413_Tyr414insTer (NM_001363823.2); c.1146del, p.Lys381_Tyr382insTer (NM_001363875.2); c.1149del, p.Lys382_Tyr383insTer (NM_001377959.1, NM_199436.2).
Identifiers: ClinVar variation 216109 (VCV000216109.11), dbSNP rs863224513, ClinGen allele CA339148.

ClinVar aggregate classification (germline): Pathogenic. Review status: criteria provided, multiple submitters, no conflicts (2 of 4 stars). 3 submissions from 3 submitters: Pathogenic (3). Last evaluated 2025-12-29.

Conditions:
SPAST-related disorder. Also called: SPAST-related condition.
Hereditary spastic paraplegia 4. Also called: Spastic paraplegia 4, autosomal dominant; Spastic Paraplegia 4; Familial spastic paraplegia autosomal dominant 2. Identifiers: Orphanet 100985, MedGen C1866855, MONDO:0008438, OMIM 182601.

Submissions (3):

Labcorp Genetics (formerly Invitae), Labcorp
Classification: Pathogenic for Hereditary spastic paraplegia 4. Last evaluated: 2025-12-29. Review status: criteria provided, single submitter. Criteria: Invitae Variant Classification Sherloc (09022015). Collection method: clinical testing. Allele origin: germline.
Comment: This sequence change creates a premature translational stop signal (p.Tyr415*) in the SPAST gene. It is expected to result in an absent or disrupted protein product. Loss-of-function variants in SPAST are known to be pathogenic (PMID: 20932283). This variant is not present in population databases (gnomAD no frequency). This premature translational stop signal has been observed in individual(s) with hereditary spastic paraplegia (PMID: 18701882, 19875132). ClinVar contains an entry for this variant (Variation ID: 216109). Algorithms developed to predict the effect of sequence changes on RNA splicing suggest that this variant may disrupt the consensus splice site. For these reasons, this variant has been classified as Pathogenic.

PreventionGenetics, part of Exact Sciences
Classification: Pathogenic for SPAST-related condition. Last evaluated: 2025-07-11. Review status: criteria provided, single submitter. Criteria: ACMG Guidelines, 2015. Collection method: clinical testing. Allele origin: germline.
Comment: The SPAST c.1245delC variant is predicted to result in premature protein termination (p.Tyr415*). This variant has been reported in an individual with spastic paraplegia (Shoukier et al. 2009. PubMed ID: 18701882). A different nonsense variant (c.1245C>G, p.Tyr415*) at the same amino acid position has also been reported in a cohort of individuals with spastic paraplegia (Supplementary Table, Parodi et al. 2018. PubMed ID: 30476002). This variant has not been reported in a large population database (gnomAD), indicating this variant is rare. Nonsense variants in SPAST are expected to be pathogenic. This variant is interpreted as pathogenic.

Athena Diagnostics
Classification: Pathogenic. Last evaluated: 2023-06-07. Review status: criteria provided, single submitter. Criteria: Athena Diagnostics Criteria. Collection method: clinical testing. Allele origin: unknown.
Comment: This variant is expected to result in the loss of a functional protein. This variant has been identified in at least one individual with clinical features associated with this gene. This variant has not been reported in large, multi-ethnic general populations.

Literature cited by the submitters: PubMed 20932283 (cited by Labcorp Genetics (formerly Invitae), Labcorp); PubMed 18701882 (cited by Labcorp Genetics (formerly Invitae), Labcorp and Athena Diagnostics); PubMed 19875132 (cited by Labcorp Genetics (formerly Invitae), Labcorp).